The following is an entry in ClinVar:

NM_012092.4(ICOS):c.*1407G>A

Gene: ICOS (inducible T cell costimulator; plus strand). Cytogenetic location: 2q33.2.
Variant type: single nucleotide variant.
Coding change: c.*1407G>A on transcript NM_012092.4 (MANE Select); 1407 bases downstream of the stop codon, G replaced by A.
Molecular consequence: 3 prime UTR variant.
Genome position (GRCh38, 1-based): chr2:203,961,006, G>A. VCF-style: chr2-203961006-G-A. GRCh37 (hg19) VCF-style: chr2-204825729-G-A.
Identifiers: ClinVar variation 333759 (VCV000333759.7), dbSNP rs1559931, ClinGen allele CA10613688.

ClinVar aggregate classification (germline): Benign. Review status: criteria provided, multiple submitters, no conflicts (2 of 4 stars). 3 submissions from 3 submitters: Benign (3). Last evaluated 2020-02-18.

Conditions:
Immunodeficiency, common variable, 1. Also called: ANTIBODY DEFICIENCY DUE TO ICOS DEFECT. Identifiers: Orphanet 1572, Orphanet 695183, MedGen C3149378, MONDO:0011864, OMIM 607594.

Allele frequency attached by ClinVar (database versions not stated): gnomAD exomes 0.25000; gnomAD 0.29155 and 0.29190; TOPMed 0.29721; 1000 Genomes Project 0.30611; 1000 Genomes Project 30x 0.30949.
gnomAD v4.1: 44,225 of 152,020 alleles (29%); highest among the groups gnomAD compares: African/African-American, 41%; 7,033 homozygotes.

Submissions (3):

GeneDx
Classification: Benign. Last evaluated: 2020-02-18. Review status: criteria provided, single submitter. Criteria: GeneDx Variant Classification Process June 2021. Collection method: clinical testing. Allele origin: germline. Affected: yes.
Comment: This variant is associated with the following publications: (PMID: 25497975)

Illumina Laboratory Services, Illumina
Classification: Benign for Immunodeficiency, common variable, 1. Last evaluated: 2018-01-13. Review status: criteria provided, single submitter. Criteria: ICSL Variant Classification Criteria 13 December 2019. Collection method: clinical testing. Allele origin: germline.
Comment: This variant was observed in the ICSL laboratory as part of a predisposition screen in an ostensibly healthy population. It had not been previously curated by ICSL or reported in the Human Gene Mutation Database (HGMD: prior to June 1st, 2018), and was therefore a candidate for classification through an automated scoring system. Utilizing variant allele frequency, disease prevalence and penetrance estimates, and inheritance mode, an automated score was calculated to assess if this variant is too frequent to cause the disease. Based on the score and internal cut-off values, a variant classified as benign is not then subjected to further curation. The score for this variant resulted in a classification of benign for this disease.

Breakthrough Genomics
Classification: Benign. Review status: criteria provided, single submitter. Criteria: ACMG Guidelines, 2015. Collection method: not provided. Allele origin: germline. Inheritance: Autosomal recessive inheritance. Affected: yes.